The following is an entry in ClinVar:

NM_001349884.2(DRAM2):c.214T>G (p.Tyr72Asp)

Gene: DRAM2 (DNA damage regulated autophagy modulator 2; minus strand). Cytogenetic location: 1p13.3.
Variant type: single nucleotide variant.
Coding change: c.214T>G on transcript NM_001349884.2 (MANE Select); coding-DNA position 214, T replaced by G.
Protein change: p.Tyr72Asp; replaces tyrosine 72 with aspartic acid.
Molecular consequence: missense variant. On other transcripts: 5 prime UTR variant (1), non-coding transcript variant (3), intron variant (7).
Genome position (GRCh38, 1-based): chr1:111,124,867, A>C on the plus strand (T>G on the coding strand, the complement: DRAM2 is on the minus strand). VCF-style: chr1-111124867-A-C. GRCh37 (hg19) VCF-style: chr1-111667489-A-C.
Other names: c.214T>G, p.Tyr72Asp (NM_001349881.2, NM_001349882.2, NM_001349885.2 and 1 more transcripts); c.-205T>G (NM_001349891.2); c.-52+1360T>G (NM_001349889.2, NM_001349890.2, NM_001349892.2 and 1 more transcripts); c.41+1360T>G (NM_001349887.2, NM_001349886.2, NM_001349888.2); short protein forms Y72D.
Identifiers: ClinVar variation 2010673 (VCV002010673.4), dbSNP rs1162379315, ClinGen allele CA341819403.

ClinVar aggregate classification (germline): Uncertain significance (1 of 4 stars; one submission).

Allele frequency attached by ClinVar (database versions not stated): gnomAD exomes below 0.00001; TOPMed 0.00001.
gnomAD v4.1: 2 of 1,611,538 alleles (0.00012%); highest among the groups gnomAD compares: Non-Finnish European, 0.00017%; no homozygotes.

Submission:

Labcorp Genetics (formerly Invitae), Labcorp
Classification: Uncertain significance. Last evaluated: 2023-08-17. Review status: criteria provided, single submitter. Criteria: Invitae Variant Classification Sherloc (09022015). Collection method: clinical testing. Allele origin: germline.
Comment: This sequence change replaces tyrosine, which is neutral and polar, with aspartic acid, which is acidic and polar, at codon 72 of the DRAM2 protein (p.Tyr72Asp). This variant is not present in population databases (gnomAD no frequency). This variant has not been reported in the literature in individuals affected with DRAM2-related conditions. ClinVar contains an entry for this variant (Variation ID: 2010673). Advanced modeling of protein sequence and biophysical properties (such as structural, functional, and spatial information, amino acid conservation, physicochemical variation, residue mobility, and thermodynamic stability) performed at Invitae indicates that this missense variant is expected to disrupt DRAM2 protein function. In summary, the available evidence is currently insufficient to determine the role of this variant in disease. Therefore, it has been classified as a Variant of Uncertain Significance.